The following is an entry in ClinVar:

ClinVar aggregate classification (germline): Uncertain significance (1 of 4 stars; one submission).

Conditions:
EP400-related disorder. Also called: EP400-related condition.

Allele frequency attached by ClinVar (database versions not stated): gnomAD 0.00001.
gnomAD v4.1: 1 of 1,612,910 alleles (0.000062%); highest among the groups gnomAD compares: Non-Finnish European, 0.000085%; no homozygotes.

Submission:

PreventionGenetics, part of Exact Sciences
Classification: Uncertain significance for EP400-related condition. Last evaluated: 2023-07-04. Review status: criteria provided, single submitter. Criteria: ACMG Guidelines, 2015. Collection method: clinical testing. Allele origin: germline.
Comment: The EP400 c.8105G>A variant is predicted to result in the amino acid substitution p.Gly2702Glu. To our knowledge, this variant has not been reported in the literature. This variant is reported in 0.0065% of alleles in individuals of European (Non-Finnish) descent in gnomAD. At this time, the clinical significance of this variant is uncertain due to the absence of conclusive functional and genetic evidence.

NM_015409.5(EP400):c.8105G>A (p.Gly2702Glu)

Gene: EP400 (E1A binding protein p400; plus strand). Cytogenetic location: 12q24.33.
Variant type: single nucleotide variant.
Coding change: c.8105G>A on transcript NM_015409.5 (MANE Select); coding-DNA position 8105, G replaced by A.
Protein change: p.Gly2702Glu; replaces glycine 2702 with glutamic acid.
Molecular consequence: missense variant.
Genome position (GRCh38, 1-based): chr12:132,062,472, G>A. VCF-style: chr12-132062472-G-A. GRCh37 (hg19) VCF-style: chr12-132547017-G-A.
Other names: short protein forms G2702E.
Identifiers: ClinVar variation 2632214 (VCV002632214.1), dbSNP rs1486922793, ClinGen allele CA387348988.
Genomic context (GRCh38, chr12:132,062,472, plus strand): 5'-TCTGAAGGTGGGCGAGTATCCCTGTCCAGACCTAATGAGCAAACCTCTTCATAGCCACAG[G>A]AGTTCAGCTCCCTGGAAAAACCATCACACCTGCACATTTCCAGCTTCTCAGGCAGCAGCA-3'
Protein context (NP_056224.3, residues 2692-2712): SLVPQVSQAT[Gly2702Glu]VQLPGKTITP